The following is an entry in ClinVar:

ClinVar aggregate classification (germline): Uncertain significance (1 of 4 stars; one submission).

Conditions:
Pigmentary pallidal degeneration (NBIA1). Also called: PKAN NEUROAXONAL DYSTROPHY, JUVENILE-ONSET; Neurodegeneration with brain iron accumulation 1; HARP SYNDROME; Pantothenate Kinase-Associated Neurodegeneration; Neuroaxonal dystrophy, late infantile; Hallervorden-Spatz disease. Identifiers: Orphanet 157850, MedGen C0018523, MONDO:0009319, OMIM 234200.

Submission:

Labcorp Genetics (formerly Invitae), Labcorp
Classification: Uncertain significance for Pigmentary pallidal degeneration. Last evaluated: 2023-08-11. Review status: criteria provided, single submitter. Criteria: Invitae Variant Classification Sherloc (09022015). Collection method: clinical testing. Allele origin: germline.
Comment: In summary, the available evidence is currently insufficient to determine the role of this variant in disease. Therefore, it has been classified as a Variant of Uncertain Significance. Advanced modeling of protein sequence and biophysical properties (such as structural, functional, and spatial information, amino acid conservation, physicochemical variation, residue mobility, and thermodynamic stability) has been performed at Invitae for this missense variant, however the output from this modeling did not meet the statistical confidence thresholds required to predict the impact of this variant on PANK2 protein function. This variant has not been reported in the literature in individuals affected with PANK2-related conditions. This variant is not present in population databases (gnomAD no frequency). This sequence change replaces serine, which is neutral and polar, with phenylalanine, which is neutral and non-polar, at codon 254 of the PANK2 protein (p.Ser254Phe).

NM_001386393.1(PANK2):c.431C>T (p.Ser144Phe)

Gene: PANK2 (pantothenate kinase 2; plus strand). Cytogenetic location: 20p13.
Variant type: single nucleotide variant.
Coding change: c.431C>T on transcript NM_001386393.1 (MANE Select); coding-DNA position 431, C replaced by T.
Protein change: p.Ser144Phe; replaces serine 144 with phenylalanine.
Molecular consequence: missense variant. On other transcripts: 5 prime UTR variant (4), non-coding transcript variant (1).
Genome position (GRCh38, 1-based): chr20:3,908,058, C>T. VCF-style: chr20-3908058-C-T. GRCh37 (hg19) VCF-style: chr20-3888705-C-T.
Other names: c.-113C>T (NM_001324191.2, NM_024960.6, NM_153640.4); c.761C>T, p.Ser254Phe (NM_001324192.1, NM_153638.4); c.-405C>T (NM_001324193.2); short protein forms S144F, S254F.
Identifiers: ClinVar variation 2712570 (VCV002712570.3), dbSNP rs2515490093, ClinGen allele CA408112435.